The following is an entry in ClinVar:

NM_007194.4(CHEK2):c.182G>A (p.Ser61Asn)

Gene: CHEK2 (checkpoint kinase 2; minus strand). Cytogenetic location: 22q12.1.
Variant type: single nucleotide variant.
Coding change: c.182G>A on transcript NM_007194.4 (MANE Select); coding-DNA position 182, G replaced by A.
Protein change: p.Ser61Asn; replaces serine 61 with asparagine.
Molecular consequence: missense variant.
Genome position (GRCh38, 1-based): chr22:28,734,540, C>T on the plus strand (G>A on the coding strand, the complement: CHEK2 is on the minus strand). VCF-style: chr22-28734540-C-T. GRCh37 (hg19) VCF-style: chr22-29130528-C-T.
Other names: c.182G>A, p.Ser61Asn (NM_001005735.3, NM_001349956.3, NM_145862.3); c.-596G>A (NM_001257387.3); short protein forms S61N.
Identifiers: ClinVar variation 576925 (VCV000576925.12), dbSNP rs1569170658, ClinGen allele CA411090871.

ClinVar aggregate classification (germline): Uncertain significance. Review status: criteria provided, multiple submitters, no conflicts (2 of 4 stars). 2 submissions from 2 submitters: Uncertain significance (2). Last evaluated 2025-06-25.

Conditions:
Hereditary cancer-predisposing syndrome. Also called: Tumor predisposition; Hereditary neoplastic syndrome; Hereditary Cancer Syndrome; Neoplastic Syndromes, Hereditary. Identifiers: Orphanet 140162, MedGen C0027672, MeSH D009386, MONDO:0015356.
Familial cancer of breast. Also called: hereditary breast carcinoma; BREAST CANCER, FAMILIAL; Hereditary breast cancer. Identifiers: Orphanet 227535, MedGen C0346153, MONDO:0016419, OMIM 114480. Disease mechanism: loss of function.

Allele frequency attached by ClinVar (database versions not stated): gnomAD exomes below 0.00001.
gnomAD v4.1: 1 of 1,613,860 alleles (0.000062%); highest among the groups gnomAD compares: Non-Finnish European, 0.000085%; no homozygotes.

Submissions (2):

Ambry Genetics
Classification: Uncertain significance for Hereditary cancer-predisposing syndrome. Last evaluated: 2025-06-25. Review status: criteria provided, single submitter. Criteria: Ambry Variant Classification Scheme 2023. Collection method: clinical testing. Allele origin: germline.
Comment: The p.S61N variant (also known as c.182G>A), located in coding exon 1 of the CHEK2 gene, results from a G to A substitution at nucleotide position 182. The serine at codon 61 is replaced by asparagine, an amino acid with highly similar properties. This amino acid position is conserved. In addition, the in silico prediction for this alteration is inconclusive. Since supporting evidence is limited at this time, the clinical significance of this alteration remains unclear.

Labcorp Genetics (formerly Invitae), Labcorp
Classification: Uncertain significance for Familial cancer of breast. Last evaluated: 2018-06-23. Review status: criteria provided, single submitter. Criteria: Invitae Variant Classification Sherloc (09022015). Collection method: clinical testing. Allele origin: germline.
Comment: This sequence change replaces serine with asparagine at codon 61 of the CHEK2 protein (p.Ser61Asn). The serine residue is highly conserved and there is a small physicochemical difference between serine and asparagine. This variant is not present in population databases (ExAC no frequency). This variant has not been reported in the literature in individuals with CHEK2-related disease. Algorithms developed to predict the effect of missense changes on protein structure and function are either unavailable or do not agree on the potential impact of this missense change (SIFT: "Deleterious"; PolyPhen-2: "Benign"; Align-GVGD: "Class C45"). In summary, the available evidence is currently insufficient to determine the role of this variant in disease. Therefore, it has been classified as a Variant of Uncertain Significance.